The following is an entry in ClinVar:

ClinVar aggregate classification (germline): Uncertain significance. Review status: criteria provided, multiple submitters, no conflicts (2 of 4 stars). 3 submissions from 3 submitters: Uncertain significance (3). Last evaluated 2025-08-30.

Conditions:
Inborn genetic diseases. Identifiers: MedGen C0950123, MeSH D030342.

Allele frequency attached by ClinVar (database versions not stated): ExAC 0.00001; gnomAD exomes 0.00001; TOPMed 0.00001; gnomAD 0.00003.
gnomAD v4.1: 28 of 1,605,374 alleles (0.0017%); highest among the groups gnomAD compares: Non-Finnish European, 0.0023%; no homozygotes.

Submissions (3):

Ambry Genetics
Classification: Uncertain significance for Inborn genetic diseases. Last evaluated: 2025-08-30. Review status: criteria provided, single submitter. Criteria: Ambry Variant Classification Scheme 2023. Collection method: clinical testing. Allele origin: germline.

Labcorp Genetics (formerly Invitae), Labcorp
Classification: Uncertain significance. Last evaluated: 2025-01-06. Review status: criteria provided, single submitter. Criteria: Invitae Variant Classification Sherloc (09022015). Collection method: clinical testing. Allele origin: germline.
Comment: This sequence change replaces tyrosine, which is neutral and polar, with cysteine, which is neutral and slightly polar, at codon 327 of the TBCK protein (p.Tyr327Cys). This variant is present in population databases (rs767409791, gnomAD 0.006%). This variant has not been reported in the literature in individuals affected with TBCK-related conditions. ClinVar contains an entry for this variant (Variation ID: 1461959). Invitae Evidence Modeling of protein sequence and biophysical properties (such as structural, functional, and spatial information, amino acid conservation, physicochemical variation, residue mobility, and thermodynamic stability) indicates that this missense variant is not expected to disrupt TBCK protein function with a negative predictive value of 80%. In summary, the available evidence is currently insufficient to determine the role of this variant in disease. Therefore, it has been classified as a Variant of Uncertain Significance.

Blueprint Genetics
Classification: Uncertain significance. Last evaluated: 2024-03-18. Review status: criteria provided, single submitter. Criteria: ACMG Guidelines, 2015. Collection method: clinical testing. Allele origin: germline.

NM_001163435.3(TBCK):c.980A>G (p.Tyr327Cys)

Gene: TBCK (TBC1 domain containing kinase; minus strand). Cytogenetic location: 4q24.
Variant type: single nucleotide variant.
Coding change: c.980A>G on transcript NM_001163435.3 (MANE Select); coding-DNA position 980, A replaced by G.
Protein change: p.Tyr327Cys; replaces tyrosine 327 with cysteine.
Molecular consequence: missense variant.
Genome position (GRCh38, 1-based): chr4:106,244,716, T>C on the plus strand (A>G on the coding strand, the complement: TBCK is on the minus strand). VCF-style: chr4-106244716-T-C. GRCh37 (hg19) VCF-style: chr4-107165873-T-C.
Other names: c.980A>G (NM_001163435.1); c.980A>G, p.Tyr327Cys (NM_001163436.4); c.863A>G, p.Tyr288Cys (NM_001163437.3); c.464A>G, p.Tyr155Cys (NM_001290768.2); c.791A>G, p.Tyr264Cys (NM_033115.5); short protein forms Y327C, Y288C, Y155C, Y264C.
Identifiers: ClinVar variation 1461959 (VCV001461959.8), dbSNP rs767409791, ClinGen allele CA3035223.